The following is an entry in ClinVar:

ClinVar aggregate classification (germline): Conflicting classifications of pathogenicity. Review status: criteria provided, conflicting classifications (1 of 4 stars). 14 submissions from 14 submitters: Uncertain significance (1); Benign (7); Likely benign (4). 2 of the submissions do not count toward it. Last evaluated 2026-02-01.

Conditions:
Cardiomyopathy (CMYO). Also called: Cardiomyopathies. Identifiers: Orphanet 167848, MedGen C0878544, MONDO:0004994, HP:0001638. Inheritance: Various modes of inheritance.
Hypertrophic cardiomyopathy 1 (CMH1). Also called: Familial hypertrophic cardiomyopathy 1; MYH7-Related Familial Hypertrophic Cardiomyopathy. Identifiers: MedGen C3495498, MONDO:0008647, OMIM 192600.
Hypertrophic cardiomyopathy. Also called: HYPERTROPHIC MYOCARDIOPATHY. Identifiers: Orphanet 217569, MedGen C0007194, MeSH D002312, MONDO:0005045, HP:0001639.

Submissions (14):

Labcorp Genetics (formerly Invitae), Labcorp
Classification: Benign for Hypertrophic cardiomyopathy. Last evaluated: 2026-02-01. Review status: criteria provided, single submitter. Criteria: Invitae Variant Classification Sherloc (09022015). Collection method: clinical testing. Allele origin: germline.

ARUP Laboratories, Molecular Genetics and Genomics, ARUP Laboratories
Classification: Likely benign. Last evaluated: 2025-05-20. Review status: criteria provided, single submitter. Criteria: ARUP Molecular Germline Variant Investigation Process 2024. Collection method: clinical testing. Allele origin: germline.

Molecular Diagnostic Laboratory for Inherited Cardiovascular Disease, Montreal Heart Institute
Classification: Benign. Last evaluated: 2025-04-09. Review status: criteria provided, single submitter. Criteria: ACMG Guidelines, 2015. Collection method: clinical testing. Allele origin: germline. Affected: no.
Comment: BS1;BP6

Mayo Clinic Laboratories, Mayo Clinic
Classification: Likely benign. Last evaluated: 2025-02-03. Review status: criteria provided, single submitter. Criteria: ACMG Guidelines, 2015. Collection method: clinical testing. Allele origin: germline. Observed: 3 variant alleles.

Blueprint Genetics
Classification: Likely benign. Last evaluated: 2024-06-26. Review status: criteria provided, single submitter. Criteria: ACMG Guidelines, 2015. Collection method: clinical testing. Allele origin: germline.

Revvity Omics, Revvity
Classification: Uncertain significance. Last evaluated: 2022-06-18. Review status: criteria provided, single submitter. Criteria: ACMG Guidelines, 2015. Collection method: clinical testing. Allele origin: germline.

Color Diagnostics, LLC DBA Color Health
Classification: Benign for Cardiomyopathy. Last evaluated: 2019-11-21. Review status: criteria provided, single submitter. Criteria: ACMG Guidelines, 2015. Collection method: clinical testing. Allele origin: germline.

Mendelics
Classification: Benign for Hypertrophic cardiomyopathy 1. Last evaluated: 2019-05-28. Review status: criteria provided, single submitter. Criteria: Mendelics Assertion Criteria 2017. Collection method: clinical testing. Allele origin: unknown.

Women's Health and Genetics/Laboratory Corporation of America, LabCorp
Classification: Benign. Last evaluated: 2017-09-05. Review status: criteria provided, single submitter. Criteria: LabCorp Variant Classification Summary - May 2015. Collection method: clinical testing. Allele origin: germline.
Comment: Variant summary: The TNNI3 c.12-7delC variant involves the alteration of a non-conserved intronic nucleotide. MutationTaster predicts a benign outcome for this variant. 5/5 splice prediction tools predict no significant impact on normal splicing. However, these predictions have yet to be confirmed by functional studies. This variant was found in 52/108562 control chromosomes from all ethnicities, but was predominantly observed in the African subpopulation at a frequency of 0.005965 (50/8382). This frequency is about 48 times the estimated maximal expected allele frequency of a pathogenic TNNI3 variant (0.000125), strongly suggesting this is likely a benign polymorphism found primarily in populations of African origin. Multiple clinical diagnostic laboratories/reputable databases have classified this variant with differing interpretations, including uncertain significance, likely benign, and benign, with a classification of benign being the most recent. Taken together, this variant is classified as benign.

Eurofins Ntd Llc (ga)
Classification: Benign. Last evaluated: 2015-04-10. Review status: criteria provided, single submitter. Criteria: EGL Classification Definitions 2015. Collection method: clinical testing. Allele origin: germline. Observed: 1 variant allele, 1 heterozygote.

Laboratory for Molecular Medicine, Mass General Brigham Personalized Medicine
Classification: Likely benign. Last evaluated: 2012-08-01. Review status: criteria provided, single submitter. Criteria: LMM Criteria. Collection method: clinical testing. Allele origin: germline. Observed: 7 variant alleles.
Comment: 12-7delC in intron 1 of TNNI3: This variant is unlikely to have clinical signifi cance because it is not located within the conserved splice consensus sequence. In addition, there are no reports of disease-causing splicing variants in the TN NI3 gene. Of note, the variant has been detected by our laboratory in 5 individu als with various cardiomyopathies (HCM or LVNC), 4 of whom were of confirmed Bla ck ancestry. This raises the possibility that this variant is common in the Bla ck population. A modifying effect cannot be excluded.

GeneDx
Classification: Benign for Cardiomyopathy. Last evaluated: 2012-07-26. Review status: criteria provided, single submitter. Criteria: GeneDx Variant Classification (06012015). Collection method: clinical testing. Allele origin: germline. Affected: yes.
Comment: The variant is found in DCM panel(s).

Clinical Genetics DNA and cytogenetics Diagnostics Lab, Erasmus MC, Erasmus Medical Center
Classification: Benign. Review status: no assertion criteria provided. Collection method: clinical testing. Allele origin: germline. Affected: yes. Study: VKGL Data-share Consensus. Not counted in ClinVar's aggregate classification.

Clinical Genetics, Academic Medical Center
Classification: Benign. Review status: no assertion criteria provided. Collection method: clinical testing. Allele origin: germline. Affected: yes. Study: VKGL Data-share Consensus. Not counted in ClinVar's aggregate classification.

Literature cited by the submitters: PubMed 20474083 (cited by Mayo Clinic Laboratories, Mayo Clinic and Women's Health and Genetics/Laboratory Corporation of America, LabCorp); PubMed 21511876 (cited by Women's Health and Genetics/Laboratory Corporation of America, LabCorp); PubMed 24503780 (cited by Women's Health and Genetics/Laboratory Corporation of America, LabCorp).

NM_000363.5(TNNI3):c.12-7del

Gene: TNNI3 (troponin I3, cardiac type; minus strand). Cytogenetic location: 19q13.42.
Variant type: Deletion.
Coding change: c.12-7del on transcript NM_000363.5 (MANE Select); 7 bases into the intron before coding-DNA position 12, one base deleted (C; older notation c.12-7delC).
Molecular consequence: intron variant.
Genome position (GRCh38, 1-based): chr19:55,157,315, G deleted on the plus strand (C on the coding strand, the reverse complement: TNNI3 is on the minus strand); the first of 2 consecutive G bases (chr19:55,157,315-55,157,316); deleting either gives the same sequence. VCF-style (leftmost placement, unchanged base first): chr19-55157314-AG-A. GRCh37 (hg19) VCF-style: chr19-55668682-AG-A.
Other names: p.?; c.12-7delC (NM_000363.4).
Identifiers: ClinVar variation 43361 (VCV000043361.37), dbSNP rs370714315, ClinGen allele CA021266.